The following is an entry in ClinVar:

ClinVar aggregate classification (germline): Likely benign. Review status: criteria provided, single submitter (1 of 4 stars). 2 submissions from 2 submitters: Likely benign (1). 1 of the submissions does not count toward it. Last evaluated 2018-07-11.

Conditions:
DSCAM-related disorder. Also called: DSCAM-related condition.

Allele frequency attached by ClinVar (database versions not stated): gnomAD exomes 0.00001 and 0.00003; TOPMed 0.00002; gnomAD 0.00004; ExAC 0.00006; ESP Exome Variant Server 0.00008; 1000 Genomes Project 30x 0.00016; 1000 Genomes Project 0.00020.

Submissions (2):

Labcorp Genetics (formerly Invitae), Labcorp
Classification: Likely benign. Last evaluated: 2018-07-11. Review status: criteria provided, single submitter. Criteria: Invitae Variant Classification Sherloc (09022015). Collection method: clinical testing. Allele origin: germline.

PreventionGenetics, part of Exact Sciences
Classification: Likely benign for DSCAM-related condition. Last evaluated: 2019-02-26. Review status: no assertion criteria provided. Collection method: clinical testing. Allele origin: germline. Not counted in ClinVar's aggregate classification.
Comment: This variant is classified as likely benign based on ACMG/AMP sequence variant interpretation guidelines (Richards et al. 2015 PMID: 25741868, with internal and published modifications).

NM_001389.5(DSCAM):c.3339C>T (p.Ser1113=)

Gene: DSCAM (DS cell adhesion molecule; minus strand). Cytogenetic location: 21q22.2.
Variant type: single nucleotide variant.
Coding change: c.3339C>T on transcript NM_001389.5 (MANE Select); coding-DNA position 3339, C replaced by T.
Protein change: p.Ser1113=; no amino-acid change (serine 1113 retained).
Molecular consequence: synonymous variant. On other transcripts: non-coding transcript variant (1).
Genome position (GRCh38, 1-based): chr21:40,142,625, G>A on the plus strand (C>T on the coding strand, the complement: DSCAM is on the minus strand). VCF-style: chr21-40142625-G-A. GRCh37 (hg19) VCF-style: chr21-41514552-G-A.
Other names: c.3339C>T, p.Ser1113= (NM_001271534.3).
Identifiers: ClinVar variation 758812 (VCV000758812.5), dbSNP rs371092156, ClinGen allele CA10030970.